The following is an entry in ClinVar:

ClinVar aggregate classification (germline): Uncertain significance. Review status: criteria provided, multiple submitters, no conflicts (2 of 4 stars). 2 submissions from 2 submitters: Uncertain significance (2). Last evaluated 2024-11-01.

Allele frequency attached by ClinVar (database versions not stated): ExAC 0.00003; gnomAD exomes 0.00007; ESP Exome Variant Server 0.00008; gnomAD 0.00009; TOPMed 0.00011.

Submissions (2):

Clinical Genomics Laboratory, Washington University in St. Louis
Classification: Uncertain significance. Last evaluated: 2024-11-01. Review status: criteria provided, single submitter. Criteria: ACMG Guidelines, 2015. Collection method: clinical testing. Allele origin: germline.
Comment: An IDH1 c.112G>A (p.Asp38Asn) was identified at a near heterozygous allelic fraction of 46.8%, a frequency which may be consistent with germline origin. This variant, to our knowledge, has not been reported in the medical literature in a germline state, but had been identified in a somatic state in a patient with a CNS tumor (Ji MS et al., PMID: 32118206). It is observed on 119/1,613,176 alleles in the general population (gnomAD v.4.1.0). The IDH1 c.112G>A (p.Asp38Asn) variant has been reported in the ClinVar database as a germline variant of uncertain significance by a single submitted (ClinVar Variation ID: 1727972). Computational predictors are uncerta as to the impact of this variant on IDH1 function. Due to limited information, and based on ACMG/AMP guidelines for variant interpretation (Richards S et al., PMID: 25741868), the clinical significance of this variant is uncertain at this time.

Ambry Genetics
Classification: Uncertain significance. Last evaluated: 2024-09-13. Review status: criteria provided, single submitter. Criteria: Ambry Variant Classification Scheme 2023. Collection method: clinical testing. Allele origin: germline.
Comment: The p.D38N variant (also known as c.112G>A), located in coding exon 1 of the IDH1 gene, results from a G to A substitution at nucleotide position 112. The aspartic acid at codon 38 is replaced by asparagine, an amino acid with highly similar properties. This amino acid position is conserved. In addition, this alteration is predicted to be tolerated by in silico analysis. Since supporting evidence is limited at this time, the clinical significance of this alteration remains unclear.

NM_005896.4(IDH1):c.112G>A (p.Asp38Asn)

Gene: IDH1 (isocitrate dehydrogenase (NADP(+)) 1; minus strand). Cytogenetic location: 2q34.
Variant type: single nucleotide variant.
Coding change: c.112G>A on transcript NM_005896.4 (MANE Select); coding-DNA position 112, G replaced by A.
Protein change: p.Asp38Asn; replaces aspartic acid 38 with asparagine.
Molecular consequence: missense variant.
Genome position (GRCh38, 1-based): chr2:208,251,440, C>T on the plus strand (G>A on the coding strand, the complement: IDH1 is on the minus strand). VCF-style: chr2-208251440-C-T. GRCh37 (hg19) VCF-style: chr2-209116164-C-T.
Other names: c.112G>A, p.Asp38Asn (NM_001282386.1, NM_001282387.1); short protein forms D38N.
Identifiers: ClinVar variation 1727972 (VCV001727972.4), dbSNP rs374907791, ClinGen allele CA2079101.
Genomic context (GRCh38, chr2:208,251,440, plus strand): 5'-AGCCAGATTATCCTTTCTGAGTTTGCTACACGGAGGGGTAACTCATTTACCTATGTAGAT[C>T]CAATTCCACGTAGGGAAAAATGAGTTTCTCTTTAATCAATTCCCAAATGATTCGTGTCAT-3'
Protein context (NP_005887.2, residues 28-48): EKLIFPYVEL[Asp38Asn]LHSYDLGIEN